The following is an entry in ClinVar:

ClinVar aggregate classification (germline): Likely benign. Review status: reviewed by expert panel (3 of 4 stars). 3 submissions from 3 submitters: Likely benign (1). 2 of the submissions do not count toward it. Last evaluated 2025-12-29.

Conditions:
Autosomal recessive limb-girdle muscular dystrophy. Identifiers: Orphanet 102015, MedGen C2931907, MONDO:0015152.
Neuromuscular disease caused by qualitative or quantitative defects of dysferlin. Also called: Dysferlinopathy; Qualitative or quantitative defects of dysferlin. Identifiers: Orphanet 207073, MedGen C2931687, MONDO:0016145.

Allele frequency attached by ClinVar (database versions not stated): TOPMed below 0.00001.
gnomAD v4.1: 1 of 1,567,974 alleles (0.000064%); highest among the groups gnomAD compares: East Asian, 0.0023%; no homozygotes.

Submissions (3):

ClinGen Limb Girdle Muscular Dystrophy Variant Curation Expert Panel, ClinGen
Classification: Likely benign for Autosomal recessive limb-girdle muscular dystrophy. Last evaluated: 2025-12-29. Review status: reviewed by expert panel. Criteria: ClinGen LGMD VCEP ACMG Specifications DYSF V2.0.0. Collection method: curation. Allele origin: germline. Inheritance: Autosomal recessive inheritance.
Comment: The NM_003494.4: c.2079C>T p.(His693=) variant in DYSF, which is also known as NM_001130987.2: c.2133C>T (p.His711=), is a synonymous (silent) variant that is not located in a splice region (outside of the first and the last 3 bases of the exon). This variant has been observed in one individual with suspected LGMD in a homozygous state; however, another likely pathogenic variant was also identified in a homozygous state in this individual (PMID: 36983702). The highest population minor allele frequency in gnomAD v4.1.0 is 0.00002320 (1/43106 alleles) in the East Asian population, which is less than the ClinGen LGMD VCEP threshold (≤0.0001) (PM2_Supporting). The computational splicing predictor SpliceAI gives a score of 0.00, suggesting that the variant has no impact on splicing (BP4). RNASeq data also showed this variant does not affect splicing (PMID: 36983702; BP7_Strong_RNA). In summary, this variant meets the criteria to be classified as Likely Benign for autosomal recessive limb girdle muscular dystrophy. Although there are both pathogenic and benign types of evidence for this variant, the pathogenic evidence is not considered inconsistent with the final classification. ACMG/AMP criteria applied, as specified by the ClinGen LGMD VCEP (LGMD VCEP specifications version 2.0.0; 12/29/2025): BP4, BP7_Strong_RNA, PM2_Supporting.

Labcorp Genetics (formerly Invitae), Labcorp
Classification: Likely benign for Neuromuscular disease caused by qualitative or quantitative defects of dysferlin. Last evaluated: 2023-05-31. Review status: criteria provided, single submitter. Criteria: Invitae Variant Classification Sherloc (09022015). Collection method: clinical testing. Allele origin: germline. Not counted in ClinVar's aggregate classification.

Eurofins Ntd Llc (ga)
Classification: Uncertain significance. Last evaluated: 2017-01-30. Review status: criteria provided, single submitter. Criteria: EGL Classification Definitions 2015. Collection method: clinical testing. Allele origin: germline. Observed: 1 variant allele, 1 homozygote. Not counted in ClinVar's aggregate classification.

NM_001130987.2(DYSF):c.2133C>T (p.His711=)

Gene: DYSF (dysferlin; plus strand). Cytogenetic location: 2p13.2.
Variant type: single nucleotide variant.
Coding change: c.2133C>T on transcript NM_001130987.2 (MANE Select); coding-DNA position 2133, C replaced by T.
Protein change: p.His711=; no amino-acid change (histidine 711 retained).
Molecular consequence: synonymous variant.
Genome position (GRCh38, 1-based): chr2:71,555,988, C>T. VCF-style: chr2-71555988-C-T. GRCh37 (hg19) VCF-style: chr2-71783118-C-T.
Other names: NM_001130987.2(DYSF):c.2133C>T; p.His711=; c.2082C>T, p.His694= (NM_001130455.2, NM_001130983.2); c.2037C>T, p.His679= (NM_001130976.2, NM_001130977.2); c.2079C>T, p.His693= (NM_001130978.2, NM_003494.4); c.2172C>T, p.His724= (NM_001130979.2); c.2130C>T, p.His710= (NM_001130980.2, NM_001130981.2); c.2175C>T, p.His725= (NM_001130982.2); and 2 more.
Identifiers: ClinVar variation 500215 (VCV000500215.13), dbSNP rs1243434554, ClinGen allele CA426701462.
Genomic context (GRCh38, chr2:71,555,988, plus strand): 5'-TGGTGACACACCTGACCCTTGCCTGCCCATTCCACAGGAAGCTGGCCTGGAGCAGGTCCA[C>T]CTGGCCCTGAAGGCGCAGTGCTCCACGGAGGACGTGGACTCGCTGGTGGCTCAGCTGACG-3'
Protein context (NP_001124459.1, residues 701-721): DRLEAGLEQV[His711=]LALKAQCSTE